The following is an entry in ClinVar:

NM_017534.6(MYH2):c.1067C>T (p.Thr356Met)

Genes: MYHAS (myosin heavy chain gene cluster antisense RNA; plus strand), MYH2 (myosin heavy chain 2; minus strand). Cytogenetic location: 17p13.1.
Variant type: single nucleotide variant.
Coding change: c.1067C>T on transcript NM_017534.6 (MANE Select); coding-DNA position 1067, C replaced by T.
Protein change: p.Thr356Met; replaces threonine 356 with methionine.
Molecular consequence: missense variant.
Genome position (GRCh38, 1-based): chr17:10,540,008, G>A on the plus strand (C>T on the coding strand, the complement: MYH2 is on the minus strand). VCF-style: chr17-10540008-G-A. GRCh37 (hg19) VCF-style: chr17-10443325-G-A.
Other names: c.1067C>T, p.Thr356Met (NM_001100112.2); short protein forms T356M.
Identifiers: ClinVar variation 4739477 (VCV004739477.1).
Genomic context (GRCh38, chr17:10,540,008, plus strand): 5'-GCTTGCTCCTCACGCTGCTTTTGCTTAAATTTTAGGTTCCCATAATGCATCACAGCCCCC[G>A]TGAGCTTGTAAATGGAGACCTTTTCTTCATTAGTAAAGCCCAAAATATCAATAGCACTCT-3'
Protein context (NP_060004.3, residues 346-366): NEEKVSIYKL[Thr356Met]GAVMHYGNLK

ClinVar aggregate classification (germline): Uncertain significance (1 of 4 stars; one submission).

Conditions:
Myopathy, proximal, and ophthalmoplegia (CMYO6). Also called: INCLUSION BODY MYOPATHY 3, AUTOSOMAL DOMINANT; CONGENITAL MYOPATHY 6 WITH OPHTHALMOPLEGIA; MYOPATHY WITH CONGENITAL JOINT CONTRACTURES, OPHTHALMOPLEGIA, AND RIMMED VACUOLES. Identifiers: Orphanet 363677, Orphanet 79091, MedGen C1854106, MONDO:0011577, OMIM 605637.

gnomAD v4.1: 10 of 1,613,802 alleles (0.00062%); highest among the groups gnomAD compares: Admixed American, 0.0017%; no homozygotes.

Submission:

Labcorp Genetics (formerly Invitae), Labcorp
Classification: Uncertain significance for Myopathy, proximal, and ophthalmoplegia. Last evaluated: 2025-06-01. Review status: criteria provided, single submitter. Criteria: Invitae Variant Classification Sherloc (09022015). Collection method: clinical testing. Allele origin: germline.
Comment: This sequence change replaces threonine, which is neutral and polar, with methionine, which is neutral and non-polar, at codon 356 of the MYH2 protein (p.Thr356Met). This variant is present in population databases (rs144860788, gnomAD 0.007%). This variant has not been reported in the literature in individuals affected with MYH2-related conditions. Invitae Evidence Modeling of protein sequence and biophysical properties (such as structural, functional, and spatial information, amino acid conservation, physicochemical variation, residue mobility, and thermodynamic stability) indicates that this missense variant is not expected to disrupt MYH2 protein function with a negative predictive value of 80%. In summary, the available evidence is currently insufficient to determine the role of this variant in disease. Therefore, it has been classified as a Variant of Uncertain Significance.